The following is an entry in ClinVar:

ClinVar aggregate classification (germline): Uncertain significance. Review status: criteria provided, multiple submitters, no conflicts (2 of 4 stars). 4 submissions from 4 submitters: Uncertain significance (4). Last evaluated 2024-06-15.

Conditions:
Inborn genetic diseases. Identifiers: MedGen C0950123, MeSH D030342.
Charcot-Marie-Tooth disease dominant intermediate B (CMTDIB). Also called: CHARCOT-MARIE-TOOTH NEUROPATHY, DOMINANT INTERMEDIATE B; Charcot-Marie-Tooth disease dominant intermediate 1; CMT DI1; Charcot-Marie-Tooth disease dominant intermediate I. Identifiers: Orphanet 100044, Orphanet 228179, MedGen C1847902, MONDO:0011674, OMIM 606482.

Submissions (4):

Labcorp Genetics (formerly Invitae), Labcorp
Classification: Uncertain significance for Charcot-Marie-Tooth disease dominant intermediate B. Last evaluated: 2024-06-15. Review status: criteria provided, single submitter. Criteria: Invitae Variant Classification Sherloc (09022015). Collection method: clinical testing. Allele origin: germline.
Comment: This sequence change replaces valine, which is neutral and non-polar, with methionine, which is neutral and non-polar, at codon 351 of the DNM2 protein (p.Val351Met). This variant is not present in population databases (gnomAD no frequency). This missense change has been observed in individuals with clinical features of hereditary motor and sensory neuropathy (PMID: 28708278; Invitae). ClinVar contains an entry for this variant (Variation ID: 234708). Advanced modeling of protein sequence and biophysical properties (such as structural, functional, and spatial information, amino acid conservation, physicochemical variation, residue mobility, and thermodynamic stability) has been performed at Invitae for this missense variant, however the output from this modeling did not meet the statistical confidence thresholds required to predict the impact of this variant on DNM2 protein function. In summary, the available evidence is currently insufficient to determine the role of this variant in disease. Therefore, it has been classified as a Variant of Uncertain Significance.

Laboratório de Neurologia Aplicada e Experimental, Faculdade de Medicina de Ribeirao Preto – Universidade de Sao Paulo
Classification: Uncertain significance for Charcot-Marie-Tooth disease dominant intermediate B. Last evaluated: 2021-07-20. Review status: criteria provided, single submitter. Criteria: ACMG Guidelines, 2015. Collection method: research. Allele origin: germline. Inheritance: Autosomal dominant inheritance. Affected: yes. Observed: 1 variant allele, 1 heterozygote.
Comment: The c.1051G>A (p.Val351Met) variant in the DNM2 gene has not been described in the literature to our knowledge. This variant replaces Valine with Methionine at codon 351 of the DNM2 protein that is highly conserved across different species. This variant is not present in population databases (GnomAD and ABraOM), suggesting it is not a common benign variant in these populations. ClinVar contains an entry for this variant (Variation ID: 234708), and it is classified as Uncertain significance, 2 stars. In summary, the available evidence is insufficient to determine the clinical significance of this variant. Therefore, it has been classified as a variant of uncertain significance (VUS).

Ambry Genetics
Classification: Uncertain significance for Inborn genetic diseases. Last evaluated: 2021-05-19. Review status: criteria provided, single submitter. Criteria: Ambry Variant Classification Scheme 2023. Collection method: clinical testing. Allele origin: germline.
Comment: The p.V351M variant (also known as c.1051G>A), located in coding exon 8 of the DNM2 gene, results from a G to A substitution at nucleotide position 1051. The valine at codon 351 is replaced by methionine, an amino acid with highly similar properties. This variant was identified in an individual with a Charcot-Marie-Tooth disease phenotype and a family history of peripheral neuropathy; however, clinical details were limited (Hartley T et al. Clin Genet, 2018 02;93:301-309). This amino acid position is well conserved in available vertebrate species. In addition, this alteration is predicted to be tolerated by in silico analysis. Since supporting evidence is limited at this time, the clinical significance of this alteration remains unclear.

GeneDx
Classification: Uncertain significance. Last evaluated: 2016-01-14. Review status: criteria provided, single submitter. Criteria: GeneDx Variant Classification (06012015). Collection method: clinical testing. Allele origin: germline. Affected: yes.
Comment: A variant of uncertain significance has been identified in the DNM2 gene. The V351M variant has not been published as a pathogenic variant, nor has it been reported as a benign variant to our knowledge. It was not observed in approximately 6,500 individuals of European and African American ancestry in the NHLBI Exome Sequencing Project, indicating it is not a common benign variant in these populations. This substitution occurs at a position that is conserved across species. However, the V351M variant is a conservative amino acid substitution, which is not likely to impact secondary protein structure as these residues share similar properties. In silico analysis is inconsistent in its predictions as to whether or not the variant is damaging to the protein structure/function. Therefore, based on the currently available information, it is unclear whether this variant is a pathogenic variant or a rare benign variant.

Literature cited by the submitters: PubMed 28708278 (cited by Labcorp Genetics (formerly Invitae), Labcorp and Ambry Genetics).

NM_001005361.3(DNM2):c.1051G>A (p.Val351Met)

Gene: DNM2 (dynamin 2; plus strand). Cytogenetic location: 19p13.2.
Variant type: single nucleotide variant.
Coding change: c.1051G>A on transcript NM_001005361.3 (MANE Select); coding-DNA position 1051, G replaced by A.
Protein change: p.Val351Met; replaces valine 351 with methionine.
Molecular consequence: missense variant.
Genome position (GRCh38, 1-based): chr19:10,793,778, G>A. VCF-style: chr19-10793778-G-A. GRCh37 (hg19) VCF-style: chr19-10904454-G-A.
Other names: chr19-10793778-G-A; p.Val351Met; c.1051G>A, p.Val351Met (NM_001005360.3, NM_001005362.3, NM_001190716.2 and 1 more transcripts); short protein forms V351M.
Identifiers: ClinVar variation 234708 (VCV000234708.31), dbSNP rs876661176, ClinGen allele CA10577588.